The following is an entry in ClinVar:

ClinVar aggregate classification (germline): Uncertain significance (1 of 4 stars; one submission).

Allele frequency attached by ClinVar (database versions not stated): gnomAD 0.00001; gnomAD exomes 0.00001; TOPMed 0.00001; ExAC 0.00011.
gnomAD v4.1: 21 of 1,614,004 alleles (0.0013%); highest among the groups gnomAD compares: East Asian, 0.047%; no homozygotes.

Submission:

CeGaT Center for Human Genetics Tuebingen
Classification: Uncertain significance. Last evaluated: 2023-12-01. Review status: criteria provided, single submitter. Criteria: CeGaT Center For Human Genetics Tuebingen Variant Classification Criteria Version 2. Collection method: clinical testing. Allele origin: germline. Affected: yes. Observed: 1 variant allele.
Comment: FLG: PM2, BP4

NM_002016.2(FLG):c.3251A>G (p.Gln1084Arg)

Genes: CCDST (cervical cancer associated DHX9 suppressive transcript; plus strand), FLG (filaggrin; minus strand). Cytogenetic location: 1q21.3.
Variant type: single nucleotide variant.
Coding change: c.3251A>G on transcript NM_002016.2 (MANE Select); coding-DNA position 3251, A replaced by G.
Protein change: p.Gln1084Arg; replaces glutamine 1084 with arginine.
Molecular consequence: missense variant.
Genome position (GRCh38, 1-based): chr1:152,311,635, T>C on the plus strand (A>G on the coding strand, the complement: FLG is on the minus strand). VCF-style: chr1-152311635-T-C. GRCh37 (hg19) VCF-style: chr1-152284111-T-C.
Other names: short protein forms Q1084R.
Identifiers: ClinVar variation 2672354 (VCV002672354.23), dbSNP rs750442026, ClinGen allele CA1106763.